The following is an entry in ClinVar:

NM_013275.6(ANKRD11):c.4624_4625del (p.Lys1542fs)

Gene: ANKRD11 (ankyrin repeat domain containing 11; minus strand). Cytogenetic location: 16q24.3.
Variant type: Deletion.
Coding change: c.4624_4625del on transcript NM_013275.6 (MANE Select); coding-DNA positions 4624 to 4625, 2 bases deleted (AA; older notation c.4624_4625delAA).
Protein change: p.Lys1542fs; shifts the reading frame from lysine 1542.
Molecular consequence: frameshift variant.
Genome position (GRCh38, 1-based): chr16:89,281,917-89,281,918, TT deleted on the plus strand (AA on the coding strand, the reverse complement: ANKRD11 is on the minus strand); deleting any 2 consecutive bases within chr16:89,281,917-89,281,920 gives the same sequence; the c. name uses the placement nearest the transcript's 3' end. VCF-style (leftmost placement, unchanged base first): chr16-89281916-CTT-C. GRCh37 (hg19) VCF-style: chr16-89348324-CTT-C.
Other names: c.4624_4625del, p.Lys1542fs (NM_001256182.2, NM_001256183.2); short protein forms K1542fs.
Identifiers: ClinVar variation 1197090 (VCV001197090.2), dbSNP rs2151748896, ClinGen allele CA2499223786.
Genomic context (GRCh38, chr16:89,281,916, plus strand): 5'-GCCTGGGTCTTTGGATGGCGCTACCTTATCATTCCCGTTGCTCATCTTCACTGGGTCGCC[CTT>C]TTCTTTCTCTGCACCGTCCTTGAATTTCTCCTTCAGTTTGGCATCGCCGAGCCTCGGGCC-3'

ClinVar aggregate classification (germline): Pathogenic (1 of 4 stars; one submission).

Submission:

GeneDx
Classification: Pathogenic. Last evaluated: 2019-10-16. Review status: criteria provided, single submitter. Criteria: GeneDx Variant Classification Process June 2021. Collection method: clinical testing. Allele origin: germline. Affected: yes.
Comment: Frameshift variant predicted to result in protein truncation or nonsense mediated decay in a gene for which loss-of-function is a known mechanism of disease; Not observed in large population cohorts (Lek et al., 2016); Has not been previously published as pathogenic or benign to our knowledge